The following is an entry in ClinVar:

ClinVar aggregate classification (germline): Uncertain significance. Review status: criteria provided, multiple submitters, no conflicts (2 of 4 stars). 3 submissions from 3 submitters: Uncertain significance (3). Last evaluated 2024-11-18.

Conditions:
Glycogen storage disease due to phosphoglycerate kinase 1 deficiency. Also called: PHOSPHOGLYCERATE KINASE 1 DEFICIENCY WITH LEVO-DOPA-RESPONSIVE PARKINSONISM; PGK1 DEFICIENCY. Identifiers: Orphanet 713, MedGen C1970848, MONDO:0010392, OMIM 300653.

Allele frequency attached by ClinVar (database versions not stated): ESP Exome Variant Server 0.00009; TOPMed 0.00001; gnomAD exomes 0.00002; ExAC 0.00005.
gnomAD v4.1: 20 of 1,207,130 alleles (0.0017%); highest among the groups gnomAD compares: Non-Finnish European, 0.0022%; no homozygotes.

Submissions (3):

GeneDx
Classification: Uncertain significance. Last evaluated: 2024-11-18. Review status: criteria provided, single submitter. Criteria: GeneDx Variant Classification Process June 2021. Collection method: clinical testing. Allele origin: germline. Affected: yes.
Comment: In silico analysis indicates that this missense variant does not alter protein structure/function; Has not been previously published as pathogenic or benign to our knowledge

Fulgent Genetics
Classification: Uncertain significance for Glycogen storage disease due to phosphoglycerate kinase 1 deficiency. Last evaluated: 2024-01-12. Review status: criteria provided, single submitter. Criteria: ACMG Guidelines, 2015. Collection method: clinical testing. Allele origin: germline.

Labcorp Genetics (formerly Invitae), Labcorp
Classification: Uncertain significance. Last evaluated: 2022-07-15. Review status: criteria provided, single submitter. Criteria: Invitae Variant Classification Sherloc (09022015). Collection method: clinical testing. Allele origin: germline.
Comment: In summary, the available evidence is currently insufficient to determine the role of this variant in disease. Therefore, it has been classified as a Variant of Uncertain Significance. Algorithms developed to predict the effect of missense changes on protein structure and function output the following: SIFT: "Deleterious"; PolyPhen-2: "Benign"; Align-GVGD: "Class C0". The methionine amino acid residue is found in multiple mammalian species, which suggests that this missense change does not adversely affect protein function. This variant has not been reported in the literature in individuals affected with PGK1-related conditions. This variant is present in population databases (rs375971289, gnomAD 0.005%), including at least one homozygous and/or hemizygous individual. This sequence change replaces isoleucine, which is neutral and non-polar, with methionine, which is neutral and non-polar, at codon 147 of the PGK1 protein (p.Ile147Met).

NM_000291.4(PGK1):c.441A>G (p.Ile147Met)

Gene: PGK1 (phosphoglycerate kinase 1; plus strand). Cytogenetic location: Xq21.1.
Variant type: single nucleotide variant.
Coding change: c.441A>G on transcript NM_000291.4 (MANE Select); coding-DNA position 441, A replaced by G.
Protein change: p.Ile147Met; replaces isoleucine 147 with methionine.
Molecular consequence: missense variant.
Genome position (GRCh38, 1-based): chrX:78,117,335, A>G. VCF-style: chrX-78117335-A-G. GRCh37 (hg19) VCF-style: chrX-77372832-A-G.
Other names: short protein forms I147M.
Identifiers: ClinVar variation 2061777 (VCV002061777.7), dbSNP rs375971289, ClinGen allele CA10459704.